The following is an entry in ClinVar:

NM_001105206.3(LAMA4):c.5269C>A (p.Pro1757Thr)

Gene: LAMA4 (laminin subunit alpha 4; minus strand). Cytogenetic location: 6q21.
Variant type: single nucleotide variant.
Coding change: c.5269C>A on transcript NM_001105206.3 (MANE Select); coding-DNA position 5269, C replaced by A.
Protein change: p.Pro1757Thr; replaces proline 1757 with threonine.
Molecular consequence: missense variant.
Genome position (GRCh38, 1-based): chr6:112,114,133, G>T on the plus strand (C>A on the coding strand, the complement: LAMA4 is on the minus strand). VCF-style: chr6-112114133-G-T. GRCh37 (hg19) VCF-style: chr6-112435336-G-T.
Other names: c.5248C>A, p.Pro1750Thr (NM_001105207.3, NM_002290.5); short protein forms P1750T, P1757T.
Identifiers: ClinVar variation 3117487 (VCV003117487.2), dbSNP rs782001026, ClinGen allele CA365364229.
Genomic context (GRCh38, chr6:112,114,133, plus strand): 5'-TACCTGGAACACCTCCAACAAACACAGGCTCCCTGTGATCAATTGGTTTTGGATTCAGGG[G>T]TCCAACCACATGGTTCACTTCAGAGTCCACATCCAACTGAACCACATTAGAATCTCTAAT-3'
Protein context (NP_001098676.2, residues 1747-1767): VDSEVNHVVG[Pro1757Thr]LNPKPIDHRE

ClinVar aggregate classification (germline): Uncertain significance. Review status: criteria provided, multiple submitters, no conflicts (2 of 4 stars). 2 submissions from 2 submitters: Uncertain significance (2). Last evaluated 2025-12-15.

Conditions:
Dilated cardiomyopathy 1JJ (CMD1JJ). Identifiers: Orphanet 154, MedGen C3808935, MONDO:0014095, OMIM 615235.
Cardiovascular phenotype. Identifiers: MedGen CN230736.

gnomAD v4.1: 3 of 1,613,672 alleles (0.00019%); highest among the groups gnomAD compares: East Asian, 0.0067%; no homozygotes.

Submissions (2):

Labcorp Genetics (formerly Invitae), Labcorp
Classification: Uncertain significance for Dilated cardiomyopathy 1JJ. Last evaluated: 2025-12-15. Review status: criteria provided, single submitter. Criteria: Invitae Variant Classification Sherloc (09022015). Collection method: clinical testing. Allele origin: germline.
Comment: This sequence change replaces proline, which is neutral and non-polar, with threonine, which is neutral and polar, at codon 1750 of the LAMA4 protein (p.Pro1750Thr). This variant is present in population databases (no rsID available, gnomAD 0.02%). This variant has not been reported in the literature in individuals affected with LAMA4-related conditions. ClinVar contains an entry for this variant (Variation ID: 3117487). Invitae Evidence Modeling of protein sequence and biophysical properties (such as structural, functional, and spatial information, amino acid conservation, physicochemical variation, residue mobility, and thermodynamic stability) has been performed for this missense variant. However, the output from this modeling did not meet the statistical confidence thresholds required to predict the impact of this variant on LAMA4 protein function. In summary, the available evidence is currently insufficient to determine the role of this variant in disease. Therefore, it has been classified as a Variant of Uncertain Significance.

Ambry Genetics
Classification: Uncertain significance for Cardiovascular phenotype. Last evaluated: 2023-12-13. Review status: criteria provided, single submitter. Criteria: Ambry Variant Classification Scheme 2023. Collection method: clinical testing. Allele origin: germline.